The following is an entry in ClinVar:

ClinVar aggregate classification (germline): Uncertain significance (1 of 4 stars; one submission).

Conditions:
Early-infantile DEE. Also called: Early infantile epileptic encephalopathy; Ohtahara syndrome; Early infantile epileptic encephalopathy with suppression bursts. Identifiers: Orphanet 1934, MedGen C0393706, MONDO:0800491.

Allele frequency attached by ClinVar (database versions not stated): gnomAD 0.00001; gnomAD exomes 0.00001 and 0.00003; TOPMed 0.00001; ExAC 0.00004.
gnomAD v4.1: 5 of 1,613,810 alleles (0.00031%); highest among the groups gnomAD compares: East Asian, 0.011%; no homozygotes.

Submission:

Labcorp Genetics (formerly Invitae), Labcorp
Classification: Uncertain significance for Early-infantile DEE. Last evaluated: 2024-02-16. Review status: criteria provided, single submitter. Criteria: Invitae Variant Classification Sherloc (09022015). Collection method: clinical testing. Allele origin: germline.
Comment: This sequence change replaces alanine, which is neutral and non-polar, with threonine, which is neutral and polar, at codon 230 of the CACNA2D2 protein (p.Ala230Thr). This variant is present in population databases (rs754999742, gnomAD 0.05%). This variant has not been reported in the literature in individuals affected with CACNA2D2-related conditions. ClinVar contains an entry for this variant (Variation ID: 1505782). An algorithm developed to predict the effect of missense changes on protein structure and function (PolyPhen-2) suggests that this variant is likely to be disruptive. In summary, the available evidence is currently insufficient to determine the role of this variant in disease. Therefore, it has been classified as a Variant of Uncertain Significance.

NM_006030.4(CACNA2D2):c.688G>A (p.Ala230Thr)

Gene: CACNA2D2 (calcium voltage-gated channel auxiliary subunit alpha2delta 2; minus strand). Cytogenetic location: 3p21.31.
Variant type: single nucleotide variant.
Coding change: c.688G>A on transcript NM_006030.4 (MANE Select); coding-DNA position 688, G replaced by A.
Protein change: p.Ala230Thr; replaces alanine 230 with threonine.
Molecular consequence: missense variant.
Genome position (GRCh38, 1-based): chr3:50,381,091, C>T on the plus strand (G>A on the coding strand, the complement: CACNA2D2 is on the minus strand). VCF-style: chr3-50381091-C-T. GRCh37 (hg19) VCF-style: chr3-50418522-C-T.
Other names: c.688G>A, p.Ala230Thr (NM_001005505.3, NM_001174051.3); c.481G>A, p.Ala161Thr (NM_001291101.1); short protein forms A161T, A230T.
Identifiers: ClinVar variation 1505782 (VCV001505782.8), dbSNP rs754999742, ClinGen allele CA2419102.